The following is an entry in ClinVar:

ClinVar aggregate classification (germline): Uncertain significance (1 of 4 stars; one submission).

Conditions:
Cerebral cavernous malformation (CCM). Also called: Cavernous Hemangioma of Brain; Cerebral cavernous hemangioma (type); CAVERNOUS ANGIOMA, FAMILIAL; CAVERNOUS ANGIOMATOUS MALFORMATIONS; CEREBRAL CAPILLARY MALFORMATIONS; Cerebral cavernous malformations. Identifiers: Orphanet 221061, MedGen C2919945, MONDO:0000820, OMIM 116860, HP:0033522.

Submission:

Labcorp Genetics (formerly Invitae), Labcorp
Classification: Uncertain significance for Cerebral cavernous malformation. Last evaluated: 2024-05-14. Review status: criteria provided, single submitter. Criteria: Invitae Variant Classification Sherloc (09022015). Collection method: clinical testing. Allele origin: germline.
Comment: This sequence change falls in intron 7 of the KRIT1 gene. It does not directly change the encoded amino acid sequence of the KRIT1 protein. This variant is present in population databases (no rsID available, gnomAD 0.007%). This variant has not been reported in the literature in individuals affected with KRIT1-related conditions. Algorithms developed to predict the effect of sequence changes on RNA splicing suggest that this variant may disrupt the consensus splice site. In summary, the available evidence is currently insufficient to determine the role of this variant in disease. Therefore, it has been classified as a Variant of Uncertain Significance.

NM_194454.3(KRIT1):c.356-8T>G

Gene: KRIT1 (KRIT1 ankyrin repeat containing; minus strand). Cytogenetic location: 7q21.2.
Variant type: single nucleotide variant.
Coding change: c.356-8T>G on transcript NM_194454.3 (MANE Select); 8 bases into the intron before coding-DNA position 356, T replaced by G.
Molecular consequence: intron variant.
Genome position (GRCh38, 1-based): chr7:92,236,550, A>C on the plus strand (T>G on the coding strand, the complement: KRIT1 is on the minus strand). VCF-style: chr7-92236550-A-C. GRCh37 (hg19) VCF-style: chr7-91865864-A-C.
Other names: c.356-8T>G (NM_001350672.1, NM_001350676.1, NM_001350673.1 and 29 more transcripts); c.-228-8T>G (NM_001350671.1).
Identifiers: ClinVar variation 3673470 (VCV003673470.2).